The following is an entry in ClinVar:

ClinVar aggregate classification (germline): Likely pathogenic. Review status: reviewed by expert panel (3 of 4 stars). 3 submissions from 3 submitters: Likely pathogenic (1). 2 of the submissions do not count toward it. Last evaluated 2025-12-02.

Conditions:
Glycogen storage disease, type II (IOPD). Also called: CARDIOMEGALIA GLYCOGENICA DIFFUSA; GLYCOGENOSIS, GENERALIZED, CARDIAC FORM; GSD II; POMPE DISEASE, INFANTILE-ONSET; GLYCOGEN STORAGE DISEASE II, INFANTILE-ONSET; ACID ALPHA-GLUCOSIDASE DEFICIENCY, INFANTILE-ONSET. Identifiers: Orphanet 365, MedGen C0017921, MONDO:0009290, OMIM 232300.

Submissions (3):

ClinGen Lysosomal Storage Disorder Variant Curation Expert Panel
Classification: Likely pathogenic for Glycogen storage disease, type II. Last evaluated: 2025-12-02. Review status: reviewed by expert panel. Criteria: clingen_lsd_acmg_specifications_v2-1. Collection method: curation. Allele origin: germline. Inheritance: Autosomal recessive inheritance.
Comment: The NM_000152.5:c.2740dup (p.Gln914ProfsTer104) variant in GAA is a frameshift variant predicted to cause a stop codon 3' to the last exon of the gene and therefore predicted to escape nonsense mediated decay. The frameshift begins at amino acid 914; the normal GAA gene product is 952 amino acids in length. Therefore, <10% of the normal product is missing. The impact of adding an abnormal sequence of 104 amino acids to the C terminus of GAA, due to the frameshift, is unknown (PVS1_Moderate). At least one individual with this variant has been reported to have a diagnosis of infantile-onset Pompe disease and was cross reactive immunological material (CRIM)-negative (PMIDs: 31342611) (PP4_Moderate). This individual was reported to be homozygous for this variant (PMID: 31342611) (PM3_Supporting). The highest population minor allele frequency in gnomAD v4.1.0. is 8.474e-7 (1/1180014 alleles) in the European (non-Finnish) population, which is lower than the ClinGen Lysosomal Diseases VCEP’s threshold for PM2_Supporting (<0.001), meeting this criterion (PM2_Supporting). In summary, this variant meets the criteria to be classified as likely pathogenic for Pompe disease based on the ACMG/AMP criteria applied, as specified by the ClinGen Lysosomal Diseases Variant Curation Expert Panel (Specifications Version 2.0): PVS1_Moderate, PM2_Supporting, PM3_Supporting, PP4_Moderate. (Classification approved by the ClinGen Lysosomal Diseases Variant Curation Expert Panel on December 2, 2025).

Genomenon, Inc
Classification: Likely pathogenic for Glycogen storage disease, type II. Last evaluated: 2026-07-01. Review status: criteria provided, single submitter. Criteria: Genomenon Sequence Variant Interpretation Standards - Updated. Collection method: curation. Allele origin: germline. Affected: yes. Not counted in ClinVar's aggregate classification.
Comment: GAA p.Gln914ProfsTer104 (c.2740dup) is a frameshift variant that results in the production of an extended protein product. This variant has been observed in at least one proband with a GAA-related disorder in the compound heterozygous and/or homozygous state (PMID:31342611). It is absent or not present at a significant frequency in gnomAD. In conclusion, we classify GAA p.Gln914ProfsTer104 (c.2740dup) as a likely pathogenic variant.

Mendelics
Classification: Pathogenic for Glycogen storage disease, type II. Last evaluated: 2022-05-04. Review status: criteria provided, single submitter. Criteria: Mendelics Assertion Criteria 2019. Collection method: clinical testing. Allele origin: germline. Not counted in ClinVar's aggregate classification.

Literature cited by the submitters: PubMed 31342611 (cited by Genomenon, Inc).

NM_000152.5(GAA):c.2740dup (p.Gln914fs)

Gene: GAA (alpha glucosidase; plus strand). Cytogenetic location: 17q25.3.
Variant type: Duplication.
Coding change: c.2740dup on transcript NM_000152.5 (MANE Select); coding-DNA position 2740, one base duplicated (C; older notation c.2740dupC).
Protein change: p.Gln914fs; shifts the reading frame from glutamine 914.
Molecular consequence: frameshift variant.
Genome position (GRCh38, 1-based): chr17:80,118,746, C duplicated; the last of 4 consecutive C bases (chr17:80,118,743-80,118,746); duplicating any one gives the same sequence. VCF-style (leftmost placement, unchanged base first): chr17-80118742-G-GC. GRCh37 (hg19) VCF-style: chr17-78092541-G-GC.
Other names: NM_000152.5(GAA):c.2740dup; p.Gln914fs; c.2740dup, p.Gln914fs (NM_001079803.3, NM_001079804.3); short protein forms Q914fs.
Identifiers: ClinVar variation 1685834 (VCV001685834.2), dbSNP rs745427943, ClinGen allele CA8815843.